The following is an entry in ClinVar:

ClinVar aggregate classification (germline): Uncertain significance (1 of 4 stars; one submission).

Conditions:
Hereditary cancer-predisposing syndrome. Also called: Hereditary neoplastic syndrome; Neoplastic Syndromes, Hereditary; Tumor predisposition; Hereditary Cancer Syndrome. Identifiers: Orphanet 140162, MedGen C0027672, MeSH D009386, MONDO:0015356.

Submission:

Ambry Genetics
Classification: Uncertain significance for Hereditary cancer-predisposing syndrome. Last evaluated: 2025-01-23. Review status: criteria provided, single submitter. Criteria: Ambry Variant Classification Scheme 2023. Collection method: clinical testing. Allele origin: germline.
Comment: The p.T616I variant (also known as c.1847C>T), located in coding exon 12 of the BRIP1 gene, results from a C to T substitution at nucleotide position 1847. The threonine at codon 616 is replaced by isoleucine, an amino acid with similar properties. This amino acid position is highly conserved in available vertebrate species. In addition, this alteration is predicted to be deleterious by in silico analysis. Based on the available evidence, the clinical significance of this variant remains unclear.

NM_032043.3(BRIP1):c.1847C>T (p.Thr616Ile)

Gene: BRIP1 (BRCA1 interacting DNA helicase 1; minus strand). Cytogenetic location: 17q23.2.
Variant type: single nucleotide variant.
Coding change: c.1847C>T on transcript NM_032043.3 (MANE Select); coding-DNA position 1847, C replaced by T.
Protein change: p.Thr616Ile; replaces threonine 616 with isoleucine.
Molecular consequence: missense variant.
Genome position (GRCh38, 1-based): chr17:61,780,349, G>A on the plus strand (C>T on the coding strand, the complement: BRIP1 is on the minus strand). VCF-style: chr17-61780349-G-A. GRCh37 (hg19) VCF-style: chr17-59857710-G-A.
Other names: short protein forms T616I.
Identifiers: ClinVar variation 3825678 (VCV003825678.1).
Genomic context (GRCh38, chr17:61,780,349, plus strand): 5'-TCCAGCTGGATAGTAAATGTAACACCAAGTTCTGACGAAAAGGATTTCATTGGTGATAAT[G>A]TACCAGATGTCAAAACAATGGTCTGAACTTTGCCATTAATATCTGAAAAGGCCTAAAAGA-3'
Protein context (NP_114432.2, residues 606-626): KVQTIVLTSG[Thr616Ile]LSPMKSFSSE